The following is an entry in ClinVar:

NM_005591.4(MRE11):c.310A>T (p.Ser104Cys)

Gene: MRE11 (MRE11 double strand break repair nuclease; minus strand). Cytogenetic location: 11q21.
Variant type: single nucleotide variant.
Coding change: c.310A>T on transcript NM_005591.4 (MANE Select); coding-DNA position 310, A replaced by T.
Protein change: p.Ser104Cys; replaces serine 104 with cysteine.
Molecular consequence: missense variant.
Genome position (GRCh38, 1-based): chr11:94,485,928, T>A on the plus strand (A>T on the coding strand, the complement: MRE11 is on the minus strand). VCF-style: chr11-94485928-T-A. GRCh37 (hg19) VCF-style: chr11-94219094-T-A.
Other names: c.310A>T, p.Ser104Cys (NM_001330347.2, NM_005590.4); short protein forms S104C.
Identifiers: ClinVar variation 481757 (VCV000481757.16), dbSNP rs748434421, ClinGen allele CA6235428.

ClinVar aggregate classification (germline): Uncertain significance. Review status: criteria provided, multiple submitters, no conflicts (2 of 4 stars). 3 submissions from 3 submitters: Uncertain significance (3). Last evaluated 2025-06-15.

Conditions:
Hereditary breast ovarian cancer syndrome. Also called: Hereditary breast and ovarian cancer syndrome; Hereditary breast and ovarian cancer; Hereditary breast and ovarian cancer syndrome (HBOC); Breast and ovarian cancer; Hereditary breast and/or ovarian cancer syndrome; BRCA1- and BRCA2-Associated Hereditary Breast and Ovarian Cancer. Identifiers: Orphanet 145, MedGen C0677776, MeSH D061325, MONDO:0003582. Disease mechanism: loss of function.
Ataxia-telangiectasia-like disorder (ATLD). Identifiers: MedGen C1858391, MONDO:0011457.
Hereditary cancer-predisposing syndrome. Also called: Neoplastic Syndromes, Hereditary; Tumor predisposition; Hereditary Cancer Syndrome; Hereditary neoplastic syndrome. Identifiers: Orphanet 140162, MedGen C0027672, MeSH D009386, MONDO:0015356.

Allele frequency attached by ClinVar (database versions not stated): gnomAD exomes below 0.00001 and 0.00002; ExAC 0.00001; gnomAD 0.00001; TOPMed 0.00001.
gnomAD v4.1: 16 of 1,612,514 alleles (0.00099%); highest among the groups gnomAD compares: East Asian, 0.036%; no homozygotes.

Submissions (3):

Ambry Genetics
Classification: Uncertain significance for Hereditary cancer-predisposing syndrome. Last evaluated: 2025-06-15. Review status: criteria provided, single submitter. Criteria: Ambry Variant Classification Scheme 2023. Collection method: clinical testing. Allele origin: germline.
Comment: The p.S104C variant (also known as c.310A>T), located in coding exon 3 of the MRE11A gene, results from an A to T substitution at nucleotide position 310. The serine at codon 104 is replaced by cysteine, an amino acid with dissimilar properties. This amino acid position is highly conserved in available vertebrate species. In addition, the in silico prediction for this alteration is inconclusive. Since supporting evidence is limited at this time, the clinical significance of this alteration remains unclear.

Labcorp Genetics (formerly Invitae), Labcorp
Classification: Uncertain significance for Ataxia-telangiectasia-like disorder. Last evaluated: 2024-12-03. Review status: criteria provided, single submitter. Criteria: Invitae Variant Classification Sherloc (09022015). Collection method: clinical testing. Allele origin: germline.
Comment: This sequence change replaces serine, which is neutral and polar, with cysteine, which is neutral and slightly polar, at codon 104 of the MRE11 protein (p.Ser104Cys). This variant is present in population databases (rs748434421, gnomAD 0.01%). This variant has not been reported in the literature in individuals affected with MRE11-related conditions. ClinVar contains an entry for this variant (Variation ID: 481757). An algorithm developed to predict the effect of missense changes on protein structure and function (PolyPhen-2) suggests that this variant is likely to be tolerated. In summary, the available evidence is currently insufficient to determine the role of this variant in disease. Therefore, it has been classified as a Variant of Uncertain Significance.

Cancer Genomics Group, Japanese Foundation For Cancer Research
Classification: Uncertain significance for Hereditary breast and ovarian cancer syndrome. Last evaluated: 2019-05-01. Review status: criteria provided, single submitter. Criteria: ACMG Guidelines, 2015. Collection method: research. Allele origin: germline. Affected: yes.